The following is an entry in ClinVar:

NM_004369.4(COL6A3):c.7985C>T (p.Ala2662Val)

Gene: COL6A3 (collagen type VI alpha 3 chain; minus strand). Cytogenetic location: 2q37.3.
Variant type: single nucleotide variant.
Coding change: c.7985C>T on transcript NM_004369.4 (MANE Select); coding-DNA position 7985, C replaced by T.
Protein change: p.Ala2662Val; replaces alanine 2662 with valine.
Molecular consequence: missense variant.
Genome position (GRCh38, 1-based): chr2:237,340,931, G>A on the plus strand (C>T on the coding strand, the complement: COL6A3 is on the minus strand). VCF-style: chr2-237340931-G-A. GRCh37 (hg19) VCF-style: chr2-238249574-G-A.
Other names: c.6164C>T, p.Ala2055Val (NM_057166.5); c.7367C>T, p.Ala2456Val (NM_057167.4); short protein forms A2055V, A2456V, A2662V.
Identifiers: ClinVar variation 3384370 (VCV003384370.1).

ClinVar aggregate classification (germline): Uncertain significance (1 of 4 stars; one submission).

Submission:

GeneDx
Classification: Uncertain significance. Last evaluated: 2024-06-07. Review status: criteria provided, single submitter. Criteria: GeneDx Variant Classification Process June 2021. Collection method: clinical testing. Allele origin: germline. Affected: yes.
Comment: Not observed at significant frequency in large population cohorts (gnomAD); In silico analysis supports that this missense variant has a deleterious effect on protein structure/function; Has not been previously published as pathogenic or benign to our knowledge